The following is an entry in ClinVar:

NM_000540.3(RYR1):c.14624T>C (p.Met4875Thr)

Gene: RYR1 (ryanodine receptor 1; plus strand). Cytogenetic location: 19q13.2.
Variant type: single nucleotide variant.
Coding change: c.14624T>C on transcript NM_000540.3 (MANE Select); coding-DNA position 14624, T replaced by C.
Protein change: p.Met4875Thr; replaces methionine 4875 with threonine.
Molecular consequence: missense variant.
Genome position (GRCh38, 1-based): chr19:38,580,482, T>C. VCF-style: chr19-38580482-T-C. GRCh37 (hg19) VCF-style: chr19-39071122-T-C.
Other names: c.14609T>C, p.Met4870Thr (NM_001042723.2); short protein forms M4870T, M4875T.
Identifiers: ClinVar variation 3070415 (VCV003070415.1), dbSNP rs2514752608, ClinGen allele CA405688035.

ClinVar aggregate classification (germline): Uncertain significance (1 of 4 stars; one submission).

Conditions:
Malignant hyperthermia, susceptibility to, 1 (MHS1). Also called: RYR1-Related Malignant Hyperthermia Susceptibility; Anesthesia related hyperthermia; Malignant hyperpyrexia; Fulminating hyperpyrexia; Pharmacogenic myopathy; Malignant hyperthermia suceptibility 1. Identifiers: Orphanet 423, MedGen C2930980, MONDO:0007783, OMIM 145600.

Submission:

All of Us Research Program, National Institutes of Health
Classification: Uncertain significance for Malignant hyperthermia, susceptibility to, 1. Last evaluated: 2023-04-10. Review status: criteria provided, single submitter. Criteria: ACMG Guidelines, 2015. Collection method: clinical testing. Allele origin: germline. Inheritance: Autosomal dominant inheritance. Observed: 1 variant allele, 1 heterozygote.
Comment: This missense variant replaces methionine with threonine at codon 4875 of the RYR1 protein. Computational prediction suggests that this variant may have deleterious impact on protein structure and function (internally defined REVEL score threshold >= 0.7, PMID: 27666373). To our knowledge, functional studies have not been reported for this variant. This variant has not been reported in individuals affected with malignant hyperthermia susceptibility in the literature. This variant has not been identified in the general population by the Genome Aggregation Database (gnomAD). The available evidence is insufficient to determine the role of this variant in disease conclusively. Therefore, this variant is classified as a Variant of Uncertain Significance.

This study involves interpretation of variants in research participants for the purpose of population health screening. Participant phenotype was not available at the time of variant classification. Additional details can be found in publication PMID: 35346344, PMCID: PMC8962531